The following is an entry in ClinVar:

ClinVar aggregate classification (germline): Uncertain significance (1 of 4 stars; one submission).

Conditions:
Hereditary cancer-predisposing syndrome. Also called: Neoplastic Syndromes, Hereditary; Tumor predisposition; Hereditary neoplastic syndrome; Hereditary Cancer Syndrome. Identifiers: Orphanet 140162, MedGen C0027672, MeSH D009386, MONDO:0015356.

Submission:

Ambry Genetics
Classification: Uncertain significance for Hereditary cancer-predisposing syndrome. Last evaluated: 2024-01-05. Review status: criteria provided, single submitter. Criteria: Ambry Variant Classification Scheme 2023. Collection method: clinical testing. Allele origin: germline.
Comment: The p.D886E variant (also known as c.2658C>A), located in coding exon 16 of the DICER1 gene, results from a C to A substitution at nucleotide position 2658. The aspartic acid at codon 886 is replaced by glutamic acid, an amino acid with highly similar properties. This amino acid position is conserved. In addition, this alteration is predicted to be tolerated by in silico analysis. Since supporting evidence is limited at this time, the clinical significance of this alteration remains unclear.

NM_177438.3(DICER1):c.2658C>A (p.Asp886Glu)

Gene: DICER1 (dicer 1, ribonuclease III; minus strand). Cytogenetic location: 14q32.13.
Variant type: single nucleotide variant.
Coding change: c.2658C>A on transcript NM_177438.3 (MANE Select); coding-DNA position 2658, C replaced by A.
Protein change: p.Asp886Glu; replaces aspartic acid 886 with glutamic acid.
Molecular consequence: missense variant. On other transcripts: non-coding transcript variant (6).
Genome position (GRCh38, 1-based): chr14:95,107,754, G>T on the plus strand (C>A on the coding strand, the complement: DICER1 is on the minus strand). VCF-style: chr14-95107754-G-T. GRCh37 (hg19) VCF-style: chr14-95574091-G-T.
Other names: c.2658C>A, p.Asp886Glu (NM_001195573.1, NM_001271282.3, NM_001291628.2 and 13 more transcripts); c.2376C>A, p.Asp792Glu (NM_001395686.1); c.2253C>A, p.Asp751Glu (NM_001395687.1, NM_001395688.1, NM_001395689.1 and 2 more transcripts); c.2091C>A, p.Asp697Glu (NM_001395691.1); c.975C>A, p.Asp325Glu (NM_001395697.1); short protein forms D325E, D697E, D751E, D792E, D886E.
Identifiers: ClinVar variation 3229339 (VCV003229339.1), dbSNP rs771049445, ClinGen allele CA390880942.